The following is an entry in ClinVar:

ClinVar aggregate classification (germline): Uncertain significance (0 of 4 stars; one submission).

Conditions:
GRIA1-related disorder. Also called: GRIA1-related condition.

Submission:

PreventionGenetics, part of Exact Sciences
Classification: Uncertain significance for GRIA1-related condition. Last evaluated: 2024-06-03. Review status: no assertion criteria provided. Collection method: clinical testing. Allele origin: germline.
Comment: The GRIA1 c.2362G>A variant is predicted to result in the amino acid substitution p.Gly788Arg. To our knowledge, this variant has not been reported in the literature or in a large population database, indicating this variant is rare. At this time, the clinical significance of this variant is uncertain due to the absence of conclusive functional and genetic evidence.

NM_000827.4(GRIA1):c.2385+832G>A

Gene: GRIA1 (glutamate ionotropic receptor AMPA type subunit 1; plus strand). Cytogenetic location: 5q33.2.
Variant type: single nucleotide variant.
Coding change: c.2385+832G>A on transcript NM_000827.4 (MANE Select); 832 bases into the intron after coding-DNA position 2385, G replaced by A.
Molecular consequence: intron variant. On other transcripts: missense variant (5), non-coding transcript variant (1).
Genome position (GRCh38, 1-based): chr5:153,795,567, G>A. VCF-style: chr5-153795567-G-A. GRCh37 (hg19) VCF-style: chr5-153175127-G-A.
Other names: c.2362G>A, p.Gly788Arg (NM_001114183.2); c.2077G>A, p.Gly693Arg (NM_001258020.2); c.2392G>A, p.Gly798Arg (NM_001258022.2); c.2389G>A, p.Gly797Arg (NM_001364166.2); c.2155G>A, p.Gly719Arg (NM_001364167.2); c.2217+832G>A (NM_001364165.2); c.2145+832G>A (NM_001258019.2); c.2178+832G>A (NM_001258023.1); and 1 more; short protein forms G693R, G719R, G788R, G797R, G798R.
Identifiers: ClinVar variation 3344318 (VCV003344318.1).